The following is an entry in ClinVar:

ClinVar aggregate classification (germline): Uncertain significance (1 of 4 stars; one submission).

Conditions:
Facioscapulohumeral muscular dystrophy 2 (FSHD2). Also called: FACIOSCAPULOHUMERAL MUSCULAR DYSTROPHY 2, DIGENIC; FSHD2, DIGENIC; MUSCULAR DYSTROPHY, FACIOSCAPULOHUMERAL, TYPE 1B. Identifiers: Orphanet 269, MedGen C1834671, MONDO:0008031, OMIM 158901.

Allele frequency attached by ClinVar (database versions not stated): gnomAD exomes below 0.00001; gnomAD 0.00001.
gnomAD v4.1: 2 of 1,613,280 alleles (0.00012%); highest among the groups gnomAD compares: Non-Finnish European, 0.00017%; no homozygotes.

Submission:

Labcorp Genetics (formerly Invitae), Labcorp
Classification: Uncertain significance for Facioscapulohumeral muscular dystrophy 2. Last evaluated: 2018-07-20. Review status: criteria provided, single submitter. Criteria: Invitae Variant Classification Sherloc (09022015). Collection method: clinical testing. Allele origin: germline.
Comment: This sequence change replaces isoleucine with valine at codon 509 of the SMCHD1 protein (p.Ile509Val). The isoleucine residue is highly conserved and there is a small physicochemical difference between isoleucine and valine. This variant is not present in population databases (ExAC no frequency). This variant has not been reported in the literature in individuals with SMCHD1-related disease. Algorithms developed to predict the effect of missense changes on protein structure and function are either unavailable or do not agree on the potential impact of this missense change (SIFT: "Deleterious"; PolyPhen-2: "Probably Damaging"; Align-GVGD: "Class C15"). Algorithms developed to predict the effect of sequence changes on RNA splicing suggest that this variant may create or strengthen a splice site, but this prediction has not been confirmed by published transcriptional studies. In summary, the available evidence is currently insufficient to determine the role of this variant in disease. Therefore, it has been classified as a Variant of Uncertain Significance.

NM_015295.3(SMCHD1):c.1525A>G (p.Ile509Val)

Gene: SMCHD1 (structural maintenance of chromosomes flexible hinge domain containing 1; plus strand). Cytogenetic location: 18p11.32.
Variant type: single nucleotide variant.
Coding change: c.1525A>G on transcript NM_015295.3 (MANE Select); coding-DNA position 1525, A replaced by G.
Protein change: p.Ile509Val; replaces isoleucine 509 with valine.
Molecular consequence: missense variant.
Genome position (GRCh38, 1-based): chr18:2,700,796, A>G. VCF-style: chr18-2700796-A-G. GRCh37 (hg19) VCF-style: chr18-2700794-A-G.
Other names: short protein forms I509V.
Identifiers: ClinVar variation 639216 (VCV000639216.8), dbSNP rs1598335785, ClinGen allele CA401699770.